The following is an entry in ClinVar:

ClinVar aggregate classification (germline): Pathogenic (1 of 4 stars; one submission).

Conditions:
Proximal 16p11.2 microdeletion syndrome. Also called: CHROMOSOME 16p11.2 DELETION SYNDROME, 593-KB; Chromosome 16p11.2 deletion syndrome; 16p11.2 Recurrent Deletion. Identifiers: Orphanet 261197, MedGen C3150154, MONDO:0012756, OMIM 611913.

Submission:

Department of Prenatal Diagnosis, Henan Provincial People’s Hospital
Classification: Pathogenic for Proximal 16p11.2 microdeletion syndrome. Last evaluated: 2026-11-25. Review status: criteria provided, single submitter. Criteria: ACMG/ClinGen CNV Guidelines, 2019. Collection method: research. Allele origin: paternal. Affected: yes. Observed: 1 variant allele.
Comment: Based on the "ACMG/ClinGen CNV Guidelines" (2019, PMID: 31690835), this deletion encompasses the established haploinsufficiency genomic region-16p11.2 recurrent region (proximal, BP4-BP5) (includes TBX6)，which satisfies the criteria for Evidence Type 2A and is assigned a score of 1. As a result, the observed copy number deletion in this case achieves a cumulative score of ≥0.99, classifying it as a pathogenic copy number variant.

Single allele

Genes: ALDOA (aldolase, fructose-bisphosphate A; plus strand), ASPHD1 (aspartate beta-hydroxylase domain containing 1; plus strand), BOLA2 (bolA family member 2; minus strand), C16orf54 (chromosome 16 open reading frame 54; minus strand), CDIPT (CDP-diacylglycerol--inositol 3-phosphatidyltransferase; minus strand) and 25 more. Cytogenetic location: 16p11.2.
Variant type: Deletion.
Identifiers: ClinVar variation 5043571 (VCV005043571.1).